The following continues an entry in ClinVar:

NM_002834.5(PTPN11):c.1528C>G (p.Gln510Glu)

Gene: PTPN11. ClinVar aggregate classification (germline): Pathogenic. Pathogenic (22).

Submissions 10 to 24 of 24:

GeneDx
Classification: Pathogenic. Last evaluated: 2023-05-21. Review status: criteria provided, single submitter. Criteria: GeneDx Variant Classification Process June 2021. Collection method: clinical testing. Allele origin: germline. Affected: yes.
Comment: Published functional studies demonstrate newborn mice with cardiomyocyte-specific overexpression of Q510E develop hypertrophic cardiomyopathy (Schramm et al., 2012); Missense variants in this gene are often considered pathogenic (HGMD); In silico analysis supports that this missense variant has a deleterious effect on protein structure/function; Not observed at significant frequency in large population cohorts (gnomAD); This variant is associated with the following publications: (PMID: 29696744, 30732632, 30384889, 35050212, 25708222, 21803945, 22058153, 21677813, 24935154, 19582499, 26742426, 15889278, 23673659, 16733669, 19273734, 16358218, 18241070, 28973083, 21910226, 20954246, 25724491, 25359717, 30050098, 29907801, 31219622, 31712860, 32164556, 31965297, 31370276, 32573669, 33318624)

Clinical Genetics Laboratory, Region Ostergotland
Classification: Pathogenic for Noonan syndrome 1. Last evaluated: 2023-03-23. Review status: criteria provided, single submitter. Criteria: ACMG Guidelines, 2015. Collection method: clinical testing. Allele origin: germline. Affected: yes.
Comment: PMID:25741868 (PS3, PS4, PM2, PM5, PM6, PP3)

Blueprint Genetics
Classification: Pathogenic for PTPN11-related disorders. Last evaluated: 2021-02-15. Review status: criteria provided, single submitter. Criteria: ACMG Guidelines, 2015. Collection method: clinical testing. Allele origin: germline. Affected: yes. Observed: 3 variant alleles.

Laboratorio de Genetica e Diagnostico Molecular, Hospital Israelita Albert Einstein
Classification: Pathogenic. Last evaluated: 2020-12-15. Review status: criteria provided, single submitter. Criteria: ACMG Guidelines, 2015. Collection method: clinical testing. Allele origin: germline. Affected: yes.
Comment: ACMG classification criteria: PS2, PS4, PM2, PP2, PP3

Ambry Genetics
Classification: Pathogenic for Cardiovascular phenotype. Last evaluated: 2019-09-06. Review status: criteria provided, single submitter. Criteria: Ambry Variant Classification Scheme 2023. Collection method: clinical testing. Allele origin: germline.
Comment: The p.Q510E pathogenic mutation (also known as c.1528C>G), located in coding exon 13 of the PTPN11 gene, results from a C to G substitution at nucleotide position 1528. The glutamine at codon 510 is replaced by glutamic acid, an amino acid with highly similar properties. This mutation has been reported in numerous individuals with Noonan syndrome or Noonan syndrome with multiple lentigines, at least two of which are likely of de novo origin (Takahashi K et al. Eur. J. Pediatr. 2005;164:497-500; Digilio MC et al. Eur. J. Pediatr. 2006;165:803-5; Faienza MF et al. Pediatr Cardiol. 2009;30:1012-5; Ganigara M et al. Ann Pediatr Cardiol. 2011;4:74-6; Hahn A et al. Am. J. Med. Genet. A. 2015;167A:744-51; Sayeed M et al. Int J clin Cardiol. 2015;2:052-6; Chen H et al. Orphanet J Rare Dis, 2019 02;14:29). In addition, assays in both in vitro and in vivo models have demonstrated disrupted PTPN11 protein function for p.Q510E, and resultant hypertrophic cardiomyopathy (Ishida H et al. Am. J. Physiol. Heart Circ. Physiol. 2011;301:H1531-9; Schramm C et al. Am. J. Physiol. Heart Circ. Physiol. 2012;302:H231-43; Yu ZH et al. Biochemistry. 2014;53:4136-51; Noda S et al. Biochem. Biophys. Res. Commun. 2016;469:1133-9). Based on the supporting evidence, p.Q510E is interpreted as a disease-causing mutation.

CeGaT Center for Human Genetics Tuebingen
Classification: Pathogenic. Last evaluated: 2019-03-01. Review status: criteria provided, single submitter. Criteria: CeGaT Center For Human Genetics Tuebingen Variant Classification Criteria Version 2. Collection method: clinical testing. Allele origin: germline. Affected: yes. Observed: 4 variant alleles.

Victorian Clinical Genetics Services, Murdoch Childrens Research Institute
Classification: Pathogenic for Noonan syndrome 1. Last evaluated: 2018-07-27. Review status: criteria provided, single submitter. Criteria: ACMG Guidelines, 2015. Collection method: clinical testing. Allele origin: de novo. Affected: yes. Observed: 1 variant allele.
Comment: A heterozygous missense variant, NM_002834.3(PTPN11):c.1528C>G, has been identified in exon 13 of 16 of the PTPN11 gene. The variant is predicted to result in a minor amino acid change from a glutamine to a glutamic acid at position 510 of the protein, NP_002825.3(PTPN11):p.(Gln510Glu). The glutamine residue at this position has very high conservation (100 vertebrates, UCSC), and is located within the protein tyrosine phosphatase functional domain. In silico predictions for this variant are consistently pathogenic (Polyphen, SIFT, CADD, Mutation Taster). The variant is absent in population databases (gnomAD, dbSNP, 1000G). The variant has previously been described multiple times as pathogenic in patients with Noonan syndrome and Noonan syndrome with multiple letigines with reported de novo cases (ClinVar). Additionally, functional analysis of cardiomyocyte cell lines demonstrated significant attenuation of myofibrillogenesis and increased proliferation, whilst mice overexpressing this variant showed increased cardiomyocyte size, heart-to-body weight ratios, interventricular septum thickness, cardiomyocyte disarray, thickened ventricular walls and depressed contractile function (Ishida, H., et al. (2011), Schramm, C., et al. (2012)). Three alternate variants in the same codon, p.(Gln510Arg), p.(Gln510Pro) and p.(Gln510His) have been reported multiple times in patients with Noonan syndrome and Noonan syndrome with multiple letigines (ClinVar). Analysis of parental samples indicated this variant to be de novo. Based on the information available at the time of curation, this variant has been classified as PATHOGENIC.

Baylor Genetics
Classification: Pathogenic for Noonan syndrome 1. Last evaluated: 2017-09-01. Review status: criteria provided, single submitter. Criteria: ACMG Guidelines, 2015. Collection method: clinical testing. Allele origin: germline. Inheritance: Autosomal dominant inheritance. Affected: yes.

Women's Health and Genetics/Laboratory Corporation of America, LabCorp
Classification: Pathogenic for Noonan syndrome 3. Last evaluated: 2016-03-07. Review status: criteria provided, single submitter. Criteria: LabCorp Variant Classification Summary - May 2015. Collection method: clinical testing. Allele origin: germline.
Comment: Variant summary: The c.1528C>G in a PTPN11 gene alters a highly conserved nucleotide and 4/5 in silico tools predict a damaging outcome. This variant has been reported in multiple affected individuals with NSRD with early onset HCM. The variant is absent in control dataset of ExAC. Animal model studies concluded that cardiomyocyte-specific expression of Q510E-Shp2 was sufficient to induce the HCM phenotype. In addition, other variants affecting codon Q510 have been reported in pts with NSRD. Lastly, it has been classified as pathogenic via publications and/or reputable databases/clinical laboratories. Taken together, the variant was classified as Pathogenic.

Molecular Diagnostics Lab, Nemours Children's Health, Delaware
Classification: Pathogenic. Last evaluated: 2015-10-01. Review status: criteria provided, single submitter. Criteria: ACMG Guidelines, 2015. Collection method: clinical testing. Allele origin: unknown. Affected: yes. Observed: 1 variant allele.

Eurofins Ntd Llc (ga)
Classification: Pathogenic. Last evaluated: 2015-02-14. Review status: criteria provided, single submitter. Criteria: EGL Classification Definitions 2015. Collection method: clinical testing. Allele origin: germline. Observed: 1 variant allele, 1 heterozygote.

Laboratory for Molecular Medicine, Mass General Brigham Personalized Medicine
Classification: Pathogenic for Noonan syndrome; Noonan syndrome with multiple lentigines. Last evaluated: 2012-06-14. Review status: criteria provided, single submitter. Criteria: LMM Criteria. Collection method: clinical testing. Allele origin: germline. Observed: 11 variant alleles.
Comment: The p.Gln510Glu variant in PTPN11 has been reported in >10 individuals with clin ical features of RASopathy disorders (Faienza 2009, Lehmann 2009, Tartaglia 2006 , Wakabayashi 2011, Digilio 2006, Ganigara 2011, Limongelli 2008, Takahashi 2005 , and LMM data). This variant has been reported to have occurred de novo in at l east one individual (Faienza 2009). Furthermore, animal models in mice have show n that this variant causes hypertrophic cardiomyopathy (Schramm 2012). In summar y, this variant meets criteria to be classified as pathogenic for RASopathy diso rder in an autosomal dominant manner.

Rady Children's Institute for Genomic Medicine, Rady Children's Hospital San Diego
Classification: Pathogenic for PTPN11-Related Disorders. Review status: criteria provided, single submitter. Criteria: ACMG Guidelines, 2015. Collection method: clinical testing. Allele origin: germline. Affected: yes.
Comment: This variant has been reported in the literature in individuals affected with Noonan syndrome with multiple lentigines (NSML, also referred to as LEOPARD syndrome) or Noonan syndrome, also as a de novo alteration (PMID: 16733669, 22190897, 25708222, 21677813, 20954246, 15889278, 19582499, 19077116). In-vitro studies have shown that this missense change abolishes PTPN11 phosphatase activity (PMID: 21803945, 23673659, 24935154, 26742426, 25708222), and mouse models have demonstrated altered cardiac function (PMID: 22058153). The c.1528C>G (p.Gln510Glu) variant is absent from the gnomAD population database and thus is presumed to be rare. The c.1528C>G (p.Gln510Glu) variant affects a highly conserved amino acid and is predicted by multiple in silico tools to have a deleterious effect on protein function. Different missense variants affecting the same amino acid residue, including a c.1530G>T (p.Gln510His), have been reported individuals with NSML or Noonan syndrome (PMID: 27193571, 21910226, 15520399, 16358218, 20578946, 15690106). Analysis of the parental samples was negative for the variant, indicating this variant likely occurred as a de novo event. Based on the available evidence, the c.1528C>G (p.Gln510Glu) variant is classified as Pathogenic.

Baylor Genetics
Classification: Pathogenic for Rasopathy. Review status: no assertion criteria provided. Collection method: clinical testing. Allele origin: unknown. Affected: yes. Not counted in ClinVar's aggregate classification.
Comment: Variant classified using ACMG guidelines

GeneReviews
No classification provided. Condition: LEOPARD syndrome 1. Review status: no classification provided. Collection method: literature only. Allele origin: unknown. Not counted in ClinVar's aggregate classification.

Literature cited by the submitters: PubMed 15889278 (cited by 9 submitters); PubMed 16733669 (cited by 7 submitters); PubMed 19077116 (cited by 3 submitters); PubMed 19582499 (cited by 6 submitters); PubMed 20954246 (cited by 5 submitters); PubMed 21677813 (cited by 8 submitters); PubMed 22190897 (cited by Labcorp Genetics (formerly Invitae), Labcorp); PubMed 25708222 (cited by 5 submitters); PubMed 21803945 (cited by 5 submitters); PubMed 22058153 (cited by 5 submitters); PubMed 23673659 (cited by 3 submitters); PubMed 24935154 (cited by 3 submitters); PubMed 26742426 (cited by 4 submitters); PubMed 2057894 (cited by Labcorp Genetics (formerly Invitae), Labcorp); PubMed 15520399 (cited by 3 submitters); PubMed 15690106 (cited by Labcorp Genetics (formerly Invitae), Labcorp); PubMed 16358218 (cited by 5 submitters); PubMed 21910226 (cited by 4 submitters); PubMed 18241070 (cited by 4 submitters); PubMed 19273734 (cited by 3 submitters); PubMed 30732632 (cited by 3 submitters); PubMed 28973083 (cited by Division of Genetic & Genomic Pathology, Hong Kong Children's Hospital); PubMed 35050212 (cited by Division of Genetic & Genomic Pathology, Hong Kong Children's Hospital); PubMed 25359717 (cited by Ambry Genetics); PubMed 25724491 (cited by Ambry Genetics); PubMed 25326635 (cited by Baylor Genetics); PubMed 22781091 (cited by Women's Health and Genetics/Laboratory Corporation of America, LabCorp); PubMed 18505544 (cited by Women's Health and Genetics/Laboratory Corporation of America, LabCorp); PubMed 20301557 (cited by GeneReviews); NCBI Bookshelf NBK1383 (cited by GeneReviews).